The following is an entry in ClinVar:

ClinVar aggregate classification (germline): Uncertain significance (1 of 4 stars; one submission).

Allele frequency attached by ClinVar (database versions not stated): gnomAD exomes 0.00001; ESP Exome Variant Server 0.00008.
gnomAD v4.1: 17 of 1,594,170 alleles (0.0011%); highest among the groups gnomAD compares: Non-Finnish European, 0.0015%; no homozygotes.

Submission:

Labcorp Genetics (formerly Invitae), Labcorp
Classification: Uncertain significance. Last evaluated: 2026-01-07. Review status: criteria provided, single submitter. Criteria: Invitae Variant Classification Sherloc (09022015). Collection method: clinical testing. Allele origin: germline.
Comment: This sequence change replaces aspartic acid, which is acidic and polar, with asparagine, which is neutral and polar, at codon 764 of the DCHS1 protein (p.Asp764Asn). This variant is not present in population databases (gnomAD no frequency). This variant has not been reported in the literature in individuals affected with DCHS1-related conditions. ClinVar contains an entry for this variant (Variation ID: 2714587). Invitae Evidence Modeling of protein sequence and biophysical properties (such as structural, functional, and spatial information, amino acid conservation, physicochemical variation, residue mobility, and thermodynamic stability) indicates that this missense variant is not expected to disrupt DCHS1 protein function with a negative predictive value of 80%. In summary, the available evidence is currently insufficient to determine the role of this variant in disease. Therefore, it has been classified as a Variant of Uncertain Significance.

NM_003737.4(DCHS1):c.2290G>A (p.Asp764Asn)

Gene: DCHS1 (dachsous cadherin-related 1; minus strand). Cytogenetic location: 11p15.4.
Variant type: single nucleotide variant.
Coding change: c.2290G>A on transcript NM_003737.4 (MANE Select); coding-DNA position 2290, G replaced by A.
Protein change: p.Asp764Asn; replaces aspartic acid 764 with asparagine.
Molecular consequence: missense variant.
Genome position (GRCh38, 1-based): chr11:6,633,577, C>T on the plus strand (G>A on the coding strand, the complement: DCHS1 is on the minus strand). VCF-style: chr11-6633577-C-T. GRCh37 (hg19) VCF-style: chr11-6654808-C-T.
Other names: short protein forms D764N.
Identifiers: ClinVar variation 2714587 (VCV002714587.3), dbSNP rs142611314, ClinGen allele CA217299531.